The following is an entry in ClinVar:

NM_033163.5(FGF8):c.379C>T (p.Arg127Ter)

Gene: FGF8 (fibroblast growth factor 8; minus strand). Cytogenetic location: 10q24.32.
Variant type: single nucleotide variant.
Coding change: c.379C>T on transcript NM_033163.5 (MANE Select); coding-DNA position 379, C replaced by T.
Protein change: p.Arg127Ter; replaces arginine 127 with a stop codon.
Molecular consequence: nonsense.
Genome position (GRCh38, 1-based): chr10:101,771,528, G>A on the plus strand (C>T on the coding strand, the complement: FGF8 is on the minus strand). VCF-style: chr10-101771528-G-A. GRCh37 (hg19) VCF-style: chr10-103531285-G-A.
Other names: c.67C>T, p.Arg23Ter (NM_001206389.2); c.292C>T, p.Arg98Ter (NM_006119.6); c.346C>T, p.Arg116Ter (NM_033164.4); c.259C>T, p.Arg87Ter (NM_033165.5); short protein forms R127*, R116*, R23*, R87*, R98*.
Identifiers: ClinVar variation 599013 (VCV000599013.5), dbSNP rs137852663, ClinGen allele CA377834450.
Genomic context (GRCh38, chr10:101,771,528, plus strand): 5'-CGATCAGCTTCCCCTTCTTGTTCATGCAGATGTAGAGGCCCGTCTCGGCTCCTCGGACTC[G>A]AACTCTGCTTCCAAAGGTGTCCGTCTCCACGATGAGCTTTGCTGTCAGAGAAGGTAGCAG-3'

ClinVar aggregate classification (germline): Conflicting classifications of pathogenicity. Review status: criteria provided, conflicting classifications (1 of 4 stars). 3 submissions from 3 submitters: Pathogenic (1); Uncertain significance (1). 1 of the submissions does not count toward it. Last evaluated 2019-02-26.

Conditions:
Hypogonadotropic hypogonadism 6 with or without anosmia (HH6). Also called: HYPOGONADOTROPIC HYPOGONADISM 6 WITHOUT ANOSMIA; HYPOGONADOTROPIC HYPOGONADISM 6 WITH ANOSMIA; FGF8-Related GnRH Deficiency (Kallmann Syndrome 6). Identifiers: Orphanet 478, MedGen C3552574, MONDO:0012988, OMIM 612702.

Submissions (3):

GeneDx
Classification: Pathogenic. Last evaluated: 2019-02-26. Review status: criteria provided, single submitter. Criteria: GeneDx Variant Classification (06012015). Collection method: clinical testing. Allele origin: germline. Affected: yes.
Comment: The R127X variant in the FGF8 gene has been reported previously to segregate in a family with multiple individuals with variable features of Kallman syndrome or normosmic isolated hypogonadotropic hypogonadism (Trarbach et al., 2010). This variant is predicted to cause loss of normal protein function either through protein truncation or nonsense-mediated mRNA decay. The R127X variant is not observed in large population cohorts (Lek et al., 2016). We interpret R127X as a pathogenic variant.

Juno Genomics, Hangzhou Juno Genomics, Inc
Classification: Uncertain significance for Hypogonadotropic hypogonadism 6 with or without anosmia. Review status: criteria provided, single submitter. Criteria: ACMG Guidelines, 2015. Collection method: clinical testing. Allele origin: germline.
Comment: Absent from controls (or at extremely low frequency if recessive) in Genome Aggregation Database.

OMIM
Classification: Pathogenic for HYPOGONADOTROPIC HYPOGONADISM 6 WITH OR WITHOUT ANOSMIA. Last evaluated: 2018-12-18. Review status: no assertion criteria provided. Collection method: literature only. Allele origin: germline. Not counted in ClinVar's aggregate classification.

Literature cited by the submitters: PubMed 20463092 (cited by OMIM).